The following is an entry in ClinVar:

NM_182961.4(SYNE1):c.10786G>T (p.Val3596Leu)

Gene: SYNE1 (spectrin repeat containing nuclear envelope protein 1; minus strand). Cytogenetic location: 6q25.2.
Variant type: single nucleotide variant.
Coding change: c.10786G>T on transcript NM_182961.4 (MANE Select); coding-DNA position 10786, G replaced by T.
Protein change: p.Val3596Leu; replaces valine 3596 with leucine.
Molecular consequence: missense variant.
Genome position (GRCh38, 1-based): chr6:152,354,799, C>A on the plus strand (G>T on the coding strand, the complement: SYNE1 is on the minus strand). VCF-style: chr6-152354799-C-A. GRCh37 (hg19) VCF-style: chr6-152675934-C-A.
Other names: c.10807G>T, p.Val3603Leu (NM_033071.5); short protein forms V3596L, V3603L.
Identifiers: ClinVar variation 843783 (VCV000843783.8), dbSNP rs143034104, ClinGen allele CA4056876.
Genomic context (GRCh38, chr6:152,354,799, plus strand): 5'-TTTTGAGCCATTCATCTACTTGCTGAAACTTTTGCTCCATTAGCCTCAATTTGTTCACCA[C>A]GTTATTGAACTGAGTTCGAGTCTCGGACAGCCTGTGCTGGTAAGCCTGCCAGTCTTGCCG-3'
Protein context (NP_892006.3, residues 3586-3606): LSETRTQFNN[Val3596Leu]VNKLRLMEQK

ClinVar aggregate classification (germline): Uncertain significance (1 of 4 stars; one submission).

Conditions:
Emery-Dreifuss muscular dystrophy 4, autosomal dominant (EDMD4). Also called: EMERY-DREIFUSS MUSCULAR DYSTROPHY 4 WITH VARIABLE FEATURES. Identifiers: Orphanet 261, MedGen C2751807, MONDO:0013071, OMIM 612998.
Autosomal recessive ataxia, Beauce type. Also called: Spinocerebellar ataxia, autosomal recessive 8; ATAXIA, RECESSIVE, OF BEAUCE; SYNE1-Related Autosomal Recessive Cerebellar Ataxia; SYNE1 Deficiency. Identifiers: Orphanet 88644, MedGen C1853116, MONDO:0012549, OMIM 610743.

Allele frequency attached by ClinVar (database versions not stated): TOPMed 0.00001.
gnomAD v4.1: 7 of 1,614,066 alleles (0.00043%); highest among the groups gnomAD compares: Non-Finnish European, 0.00059%; no homozygotes.

Submission:

Labcorp Genetics (formerly Invitae), Labcorp
Classification: Uncertain significance for Emery-Dreifuss muscular dystrophy 4, autosomal dominant; Autosomal recessive ataxia, Beauce type. Last evaluated: 2023-05-22. Review status: criteria provided, single submitter. Criteria: Invitae Variant Classification Sherloc (09022015). Collection method: clinical testing. Allele origin: germline.
Comment: In summary, the available evidence is currently insufficient to determine the role of this variant in disease. Therefore, it has been classified as a Variant of Uncertain Significance. An algorithm developed to predict the effect of missense changes on protein structure and function (PolyPhen-2) suggests that this variant¬¨‚Ä† is likely to be tolerated. ClinVar contains an entry for this variant (Variation ID: 843783). This variant has not been reported in the literature in individuals affected with SYNE1-related conditions. This variant is present in population databases (rs143034104, gnomAD 0.005%). This sequence change replaces valine, which is neutral and non-polar, with leucine, which is neutral and non-polar, at codon 3603 of the SYNE1 protein (p.Val3603Leu).